The following is an entry in ClinVar:

NM_014251.3(SLC25A13):c.332A>G (p.Asp111Gly)

Gene: SLC25A13 (solute carrier family 25 member 13; minus strand). Cytogenetic location: 7q21.3.
Variant type: single nucleotide variant.
Coding change: c.332A>G on transcript NM_014251.3 (MANE Select); coding-DNA position 332, A replaced by G.
Protein change: p.Asp111Gly; replaces aspartic acid 111 with glycine.
Molecular consequence: missense variant. On other transcripts: non-coding transcript variant (1).
Genome position (GRCh38, 1-based): chr7:96,208,974, T>C on the plus strand (A>G on the coding strand, the complement: SLC25A13 is on the minus strand). VCF-style: chr7-96208974-T-C. GRCh37 (hg19) VCF-style: chr7-95838286-T-C.
Other names: c.332A>G, p.Asp111Gly (NM_001160210.2); short protein forms D111G.
Identifiers: ClinVar variation 961475 (VCV000961475.4), dbSNP rs766809778, ClinGen allele CA4353284.
Genomic context (GRCh38, chr7:96,208,974, plus strand): 5'-GAATCCCAGTTAAATGGAATATGTTGATGAATTGTGGTCTGTCCAAAAACTTGCTTAACA[T>C]CCTCTGAAAAGAGAAAAGACAGGTTGATTAAAACAAAGTAAATGAAGTTCTTTCTGATAA-3'
Protein context (NP_055066.1, residues 101-121): KAGKGEVTFE[Asp111Gly]VKQVFGQTTI

ClinVar aggregate classification (germline): Uncertain significance. Review status: criteria provided, single submitter (1 of 4 stars). 2 submissions from 2 submitters: Uncertain significance (1). 1 of the submissions does not count toward it. Last evaluated 2021-09-01.

Conditions:
Citrin deficiency. Identifiers: Orphanet 247582, MedGen C1997910, MONDO:0016602.
Citrullinemia. Identifiers: Orphanet 187, MedGen C0175683, MONDO:0015991.

Allele frequency attached by ClinVar (database versions not stated): gnomAD exomes below 0.00001 and 0.00002; TOPMed 0.00001; ExAC 0.00002.
gnomAD v4.1: 6 of 1,613,976 alleles (0.00037%); highest among the groups gnomAD compares: East Asian, 0.013%; no homozygotes.

Submissions (2):

Labcorp Genetics (formerly Invitae), Labcorp
Classification: Uncertain significance for Citrin deficiency. Last evaluated: 2021-09-01. Review status: criteria provided, single submitter. Criteria: Invitae Variant Classification Sherloc (09022015). Collection method: clinical testing. Allele origin: germline.
Comment: This sequence change replaces aspartic acid with glycine at codon 111 of the SLC25A13 protein (p.Asp111Gly). The aspartic acid residue is moderately conserved and there is a moderate physicochemical difference between aspartic acid and glycine. This variant is present in population databases (rs766809778, ExAC 0.03%). This variant has not been reported in the literature in individuals affected with SLC25A13-related conditions. Algorithms developed to predict the effect of missense changes on protein structure and function are either unavailable or do not agree on the potential impact of this missense change (SIFT: "Deleterious"; PolyPhen-2: "Benign"; Align-GVGD: "Class C0"). In summary, the available evidence is currently insufficient to determine the role of this variant in disease. Therefore, it has been classified as a Variant of Uncertain Significance.

Natera, Inc.
Classification: Uncertain significance for Citrullinemia. Last evaluated: 2020-11-12. Review status: no assertion criteria provided. Collection method: clinical testing. Allele origin: germline. Not counted in ClinVar's aggregate classification.